The following is an entry in ClinVar:

ClinVar aggregate classification (germline): Uncertain significance (1 of 4 stars; one submission).

Conditions:
Familial cold autoinflammatory syndrome 3 (FCAS3). Also called: FAMILIAL ATYPICAL COLD URTICARIA; ANTIBODY DEFICIENCY AND IMMUNE DYSREGULATION, PLCG2-ASSOCIATED. Identifiers: Orphanet 300359, MedGen C3280914, MONDO:0013766, OMIM 614468.

Allele frequency attached by ClinVar (database versions not stated): ExAC 0.00001; TOPMed 0.00002; gnomAD 0.00003.
gnomAD v4.1: 9 of 1,613,696 alleles (0.00056%); highest among the groups gnomAD compares: African/African-American, 0.0067%; no homozygotes.

Submission:

Labcorp Genetics (formerly Invitae), Labcorp
Classification: Uncertain significance for Familial cold autoinflammatory syndrome 3. Last evaluated: 2025-10-12. Review status: criteria provided, single submitter. Criteria: Invitae Variant Classification Sherloc (09022015). Collection method: clinical testing. Allele origin: germline.
Comment: This sequence change replaces alanine, which is neutral and non-polar, with aspartic acid, which is acidic and polar, at codon 863 of the PLCG2 protein (p.Ala863Asp). This variant is present in population databases (rs766006428, gnomAD 0.01%). This variant has not been reported in the literature in individuals affected with PLCG2-related conditions. ClinVar contains an entry for this variant (Variation ID: 659783). An algorithm developed to predict the effect of missense changes on protein structure and function (PolyPhen-2) suggests that this variant is likely to be tolerated. In summary, the available evidence is currently insufficient to determine the role of this variant in disease. Therefore, it has been classified as a Variant of Uncertain Significance.

NM_002661.5(PLCG2):c.2588C>A (p.Ala863Asp)

Gene: PLCG2 (phospholipase C gamma 2; plus strand). Cytogenetic location: 16q23.3.
Variant type: single nucleotide variant.
Coding change: c.2588C>A on transcript NM_002661.5 (MANE Select); coding-DNA position 2588, C replaced by A.
Protein change: p.Ala863Asp; replaces alanine 863 with aspartic acid.
Molecular consequence: missense variant.
Genome position (GRCh38, 1-based): chr16:81,931,503, C>A. VCF-style: chr16-81931503-C-A. GRCh37 (hg19) VCF-style: chr16-81965108-C-A.
Other names: short protein forms A863D.
Identifiers: ClinVar variation 659783 (VCV000659783.8), dbSNP rs766006428, ClinGen allele CA8194376.
Genomic context (GRCh38, chr16:81,931,503, plus strand): 5'-CTTTGTGGCCCTCTAATAGGCTGATTGGGACATTTCTTATTCTCTTACCCCAAGTGAAAG[C>A]CCCTCAGGGAAAAAACCAGAAGTCCTTTGTCTTCATCCTGGAGCCCAAGCAGCAGGGCGA-3'
Protein context (NP_002652.2, residues 853-873): LDLNTYNVVK[Ala863Asp]PQGKNQKSFV